The following is an entry in ClinVar:

ClinVar aggregate classification (germline): Pathogenic (1 of 4 stars; one submission).

Conditions:
Carnitine palmitoyl transferase 1A deficiency. Also called: Carnitine palmitoyltransferase 1A deficiency; Carnitine palmitoyltransferase type I deficiency; CPT deficiency, hepatic, type IA; CPT I DEFICIENCY; CPT DEFICIENCY, HEPATIC, TYPE I. Identifiers: Orphanet 156, MedGen C1829703, MONDO:0009705, OMIM 255120.

Submission:

Labcorp Genetics (formerly Invitae), Labcorp
Classification: Pathogenic for Carnitine palmitoyl transferase 1A deficiency. Last evaluated: 2022-05-21. Review status: criteria provided, single submitter. Criteria: Invitae Variant Classification Sherloc (09022015). Collection method: clinical testing. Allele origin: germline.
Comment: For these reasons, this variant has been classified as Pathogenic. This variant has not been reported in the literature in individuals affected with CPT1A-related conditions. This variant is not present in population databases (gnomAD no frequency). This sequence change creates a premature translational stop signal (p.Glu599Glyfs*12) in the CPT1A gene. It is expected to result in an absent or disrupted protein product. Loss-of-function variants in CPT1A are known to be pathogenic (PMID: 16169268).

Literature cited by the submitters: PubMed 16169268.

NM_001876.4(CPT1A):c.1796_1797del (p.Glu599fs)

Gene: CPT1A (carnitine palmitoyltransferase 1A; minus strand). Cytogenetic location: 11q13.3.
Variant type: Microsatellite.
Coding change: c.1796_1797del on transcript NM_001876.4 (MANE Select); coding-DNA positions 1796 to 1797, 2 bases deleted (AG; older notation c.1796_1797delAG).
Protein change: p.Glu599fs; shifts the reading frame from glutamic acid 599.
Molecular consequence: frameshift variant.
Genome position (GRCh38, 1-based): chr11:68,762,705-68,762,706, CT deleted on the plus strand (AG on the coding strand, the reverse complement: CPT1A is on the minus strand); deleting any 2 consecutive bases within chr11:68,762,705-68,762,709 gives the same sequence; the c. name uses the placement nearest the transcript's 3' end. VCF-style (leftmost placement, unchanged base first): chr11-68762704-CCT-C. GRCh37 (hg19) VCF-style: chr11-68530172-CCT-C.
Other names: c.1796_1797del, p.Glu599fs (NM_001031847.3); short protein forms E599fs.
Identifiers: ClinVar variation 1975306 (VCV001975306.5), dbSNP rs1854664337, ClinGen allele CA939166320.